The following is an entry in ClinVar:

NM_014413.4(EIF2AK1):c.1321C>T (p.Arg441Ter)

Gene: EIF2AK1 (eukaryotic translation initiation factor 2 alpha kinase 1; minus strand). Cytogenetic location: 7p22.1.
Variant type: single nucleotide variant.
Coding change: c.1321C>T on transcript NM_014413.4 (MANE Select); coding-DNA position 1321, C replaced by T.
Protein change: p.Arg441Ter; replaces arginine 441 with a stop codon.
Molecular consequence: nonsense.
Genome position (GRCh38, 1-based): chr7:6,037,435, G>A on the plus strand (C>T on the coding strand, the complement: EIF2AK1 is on the minus strand). VCF-style: chr7-6037435-G-A. GRCh37 (hg19) VCF-style: chr7-6077066-G-A.
Other names: c.1318C>T, p.Arg440Ter (NM_001134335.2); short protein forms R441*, R440*.
Identifiers: ClinVar variation 2919575 (VCV002919575.3), dbSNP rs180691080, ClinGen allele CA153248296.

ClinVar aggregate classification (germline): Uncertain significance (1 of 4 stars; one submission).

Allele frequency attached by ClinVar (database versions not stated): gnomAD exomes below 0.00001; TOPMed 0.00008.
gnomAD v4.1: 11 of 1,607,204 alleles (0.00068%); highest among the groups gnomAD compares: Admixed American, 0.01%; no homozygotes.

Submission:

Labcorp Genetics (formerly Invitae), Labcorp
Classification: Uncertain significance. Last evaluated: 2024-05-01. Review status: criteria provided, single submitter. Criteria: Invitae Variant Classification Sherloc (09022015). Collection method: clinical testing. Allele origin: germline.
Comment: This sequence change creates a premature translational stop signal (p.Arg441*) in the EIF2AK1 gene. It is expected to result in an absent or disrupted protein product. However, the current clinical and genetic evidence is not sufficient to establish whether loss-of-function variants in EIF2AK1 cause disease. This variant is present in population databases (no rsID available, gnomAD 0.006%). This variant has not been reported in the literature in individuals affected with EIF2AK1-related conditions. In summary, the available evidence is currently insufficient to determine the role of this variant in disease. Therefore, it has been classified as a Variant of Uncertain Significance.